The following is an entry in ClinVar:

NM_005559.4(LAMA1):c.4896+1G>T

Gene: LAMA1 (laminin subunit alpha 1; minus strand). Cytogenetic location: 18p11.31.
Variant type: single nucleotide variant.
Coding change: c.4896+1G>T on transcript NM_005559.4 (MANE Select); the canonical splice donor site of the intron after coding-DNA position 4896, G replaced by T.
Molecular consequence: splice donor variant.
Genome position (GRCh38, 1-based): chr18:6,995,356, C>A on the plus strand (G>T on the coding strand, the complement: LAMA1 is on the minus strand). VCF-style: chr18-6995356-C-A. GRCh37 (hg19) VCF-style: chr18-6995355-C-A.
Identifiers: ClinVar variation 4720446 (VCV004720446.1).
Genomic context (GRCh38, chr18:6,995,356, plus strand): 5'-GCTCAGGAGGGCTGATGGGAGGGACCAGGAGGAAGGTTGGTTGGTTATGGAAAGAATTTA[C>A]CTTCTTTTGCAGGTTGTCCGTTTCTTCTGCAACACCTTCAAGCTTAATTTTTCCCAGGTC-3'

ClinVar aggregate classification (germline): Likely pathogenic (1 of 4 stars; one submission).

Submission:

Labcorp Genetics (formerly Invitae), Labcorp
Classification: Likely pathogenic. Last evaluated: 2025-06-08. Review status: criteria provided, single submitter. Criteria: Invitae Variant Classification Sherloc (09022015). Collection method: clinical testing. Allele origin: germline.
Comment: This sequence change affects a donor splice site in intron 34 of the LAMA1 gene. It is expected to disrupt RNA splicing. Variants that disrupt the donor or acceptor splice site typically lead to a loss of protein function (PMID: 16199547), and loss-of-function variants in LAMA1 are known to be pathogenic (PMID: 25105227, 26932191). This variant is not present in population databases (gnomAD no frequency). This variant has not been reported in the literature in individuals affected with LAMA1-related conditions. Algorithms developed to predict the effect of sequence changes on RNA splicing suggest that this variant may disrupt the consensus splice site. In summary, the currently available evidence indicates that the variant is pathogenic, but additional data are needed to prove that conclusively. Therefore, this variant has been classified as Likely Pathogenic.

Literature cited by the submitters: PubMed 16199547; PubMed 25105227; PubMed 26932191.